The following is an entry in ClinVar:

NM_005559.4(LAMA1):c.7550C>T (p.Thr2517Met)

Gene: LAMA1 (laminin subunit alpha 1; minus strand). Cytogenetic location: 18p11.31.
Variant type: single nucleotide variant.
Coding change: c.7550C>T on transcript NM_005559.4 (MANE Select); coding-DNA position 7550, C replaced by T.
Protein change: p.Thr2517Met; replaces threonine 2517 with methionine.
Molecular consequence: missense variant.
Genome position (GRCh38, 1-based): chr18:6,961,662, G>A on the plus strand (C>T on the coding strand, the complement: LAMA1 is on the minus strand). VCF-style: chr18-6961662-G-A. GRCh37 (hg19) VCF-style: chr18-6961661-G-A.
Other names: short protein forms T2517M.
Identifiers: ClinVar variation 1371802 (VCV001371802.7), dbSNP rs376219041, ClinGen allele CA8880863.

ClinVar aggregate classification (germline): Conflicting classifications of pathogenicity. Review status: criteria provided, conflicting classifications (1 of 4 stars). 4 submissions from 4 submitters: Uncertain significance (3); Likely benign (1). Last evaluated 2024-10-24.

Conditions:
Retinal dystrophy. Also called: Inherited retinal dystrophy. Identifiers: Orphanet 71862, MedGen C0854723, MeSH D058499, MONDO:0019118, HP:0000556.

Allele frequency attached by ClinVar (database versions not stated): gnomAD exomes 0.00004 and 0.00008; ExAC 0.00012; 1000 Genomes Project 30x 0.00016; 1000 Genomes Project 0.00020; TOPMed 0.00030; gnomAD 0.00032 and 0.00033; ESP Exome Variant Server 0.00038.
gnomAD v4.1: 116 of 1,614,132 alleles (0.0072%); highest among the groups gnomAD compares: African/African-American, 0.13%; no homozygotes.

Submissions (4):

Labcorp Genetics (formerly Invitae), Labcorp
Classification: Uncertain significance. Last evaluated: 2024-10-24. Review status: criteria provided, single submitter. Criteria: Invitae Variant Classification Sherloc (09022015). Collection method: clinical testing. Allele origin: germline.
Comment: This sequence change replaces threonine, which is neutral and polar, with methionine, which is neutral and non-polar, at codon 2517 of the LAMA1 protein (p.Thr2517Met). This variant is present in population databases (rs376219041, gnomAD 0.1%). This variant has not been reported in the literature in individuals affected with LAMA1-related conditions. ClinVar contains an entry for this variant (Variation ID: 1371802). Invitae Evidence Modeling of protein sequence and biophysical properties (such as structural, functional, and spatial information, amino acid conservation, physicochemical variation, residue mobility, and thermodynamic stability) indicates that this missense variant is not expected to disrupt LAMA1 protein function with a negative predictive value of 80%. In summary, the available evidence is currently insufficient to determine the role of this variant in disease. Therefore, it has been classified as a Variant of Uncertain Significance.

Women's Health and Genetics/Laboratory Corporation of America, LabCorp
Classification: Uncertain significance. Last evaluated: 2024-10-11. Review status: criteria provided, single submitter. Criteria: LabCorp Variant Classification Summary - May 2015. Collection method: clinical testing. Allele origin: germline.
Comment: Variant summary: LAMA1 c.7550C>T (p.Thr2517Met) results in a non-conservative amino acid change located in the Laminin G domain (IPR001791) of the encoded protein sequence. Three of five in-silico tools predict a damaging effect of the variant on protein function. The variant allele was found at a frequency of 7.6e-05 in 251210 control chromosomes. This frequency is not significantly higher than estimated for a pathogenic variant in LAMA1 causing Ataxia-Intellectual Disability-Oculomotor Apraxia-Cerebellar Cysts Syndrome, allowing no conclusion about variant significance. To our knowledge, no occurrence of c.7550C>T in individuals affected with Ataxia-Intellectual Disability-Oculomotor Apraxia-Cerebellar Cysts Syndrome and no experimental evidence demonstrating its impact on protein function have been reported. ClinVar contains an entry for this variant (Variation ID: 1371802). Based on the evidence outlined above, the variant was classified as uncertain significance.

Blueprint Genetics
Classification: Likely benign. Last evaluated: 2024-09-12. Review status: criteria provided, single submitter. Criteria: ACMG Guidelines, 2015. Collection method: clinical testing. Allele origin: germline.

Institute of Human Genetics, Univ. Regensburg, Univ. Regensburg
Classification: Uncertain significance for Retinal dystrophy. Last evaluated: 2023-01-01. Review status: criteria provided, single submitter. Criteria: ACMG Guidelines, 2015. Collection method: clinical testing. Allele origin: germline. Affected: yes.

Literature cited by the submitters: PubMed 34547244 (cited by Institute of Human Genetics, Univ. Regensburg, Univ. Regensburg).